The following is an entry in ClinVar:

NM_000337.6(SGCD):c.649A>G (p.Met217Val)

Gene: SGCD (sarcoglycan delta; plus strand). Cytogenetic location: 5q33.3.
Variant type: single nucleotide variant.
Coding change: c.649A>G on transcript NM_000337.6 (MANE Select); coding-DNA position 649, A replaced by G.
Protein change: p.Met217Val; replaces methionine 217 with valine.
Molecular consequence: missense variant.
Genome position (GRCh38, 1-based): chr5:156,757,654, A>G. VCF-style: chr5-156757654-A-G. GRCh37 (hg19) VCF-style: chr5-156184665-A-G.
Other names: c.646A>G, p.Met216Val (NM_001128209.2); c.649A>G, p.Met217Val (NM_172244.3); short protein forms M217V, M216V.
Identifiers: ClinVar variation 1481820 (VCV001481820.8), dbSNP rs2113177878, ClinGen allele CA362008541.

ClinVar aggregate classification (germline): Uncertain significance (1 of 4 stars; one submission).

Conditions:
Autosomal recessive limb-girdle muscular dystrophy type 2F (LGMDR6). Also called: MUSCULAR DYSTROPHY, LIMB-GIRDLE, AUTOSOMAL RECESSIVE 6; Muscular dystrophy limb-girdle with delta-sarcoglyan deficiency. Identifiers: Orphanet 219, MedGen C1832525, MONDO:0011028, OMIM 601287. Disease mechanism: Affects gamma-sarcoglycan and also disrupts the integrity of the entire sarcoglycan complex..

Allele frequency attached by ClinVar (database versions not stated): gnomAD exomes below 0.00001.
gnomAD v4.1: 2 of 1,610,522 alleles (0.00012%); highest among the groups gnomAD compares: Admixed American, 0.0017%; no homozygotes.

Submission:

Labcorp Genetics (formerly Invitae), Labcorp
Classification: Uncertain significance for Autosomal recessive limb-girdle muscular dystrophy type 2F. Last evaluated: 2021-04-23. Review status: criteria provided, single submitter. Criteria: Invitae Variant Classification Sherloc (09022015). Collection method: clinical testing. Allele origin: germline.
Comment: This sequence change replaces methionine with valine at codon 217 of the SGCD protein (p.Met217Val). The methionine residue is weakly conserved and there is a small physicochemical difference between methionine and valine. This variant is not present in population databases (ExAC no frequency). This variant has not been reported in the literature in individuals with SGCD-related conditions. Algorithms developed to predict the effect of missense changes on protein structure and function (SIFT, PolyPhen-2, Align-GVGD) all suggest that this variant is likely to be tolerated, but these predictions have not been confirmed by published functional studies and their clinical significance is uncertain. In summary, the available evidence is currently insufficient to determine the role of this variant in disease. Therefore, it has been classified as a Variant of Uncertain Significance.